The following is an entry in ClinVar:

ClinVar aggregate classification (germline): Uncertain significance. Review status: criteria provided, multiple submitters, no conflicts (2 of 4 stars). 2 submissions from 2 submitters: Uncertain significance (2). Last evaluated 2025-08-29.

Conditions:
Inborn genetic diseases. Identifiers: MedGen C0950123, MeSH D030342.

Allele frequency attached by ClinVar (database versions not stated): gnomAD 0.00005; 1000 Genomes Project 30x 0.00031; 1000 Genomes Project 0.00040.
gnomAD v4.1: 21 of 1,586,974 alleles (0.0013%); highest among the groups gnomAD compares: Middle Eastern, 0.017%; no homozygotes.

Submissions (2):

Ambry Genetics
Classification: Uncertain significance for Inborn genetic diseases. Last evaluated: 2025-08-29. Review status: criteria provided, single submitter. Criteria: Ambry Variant Classification Scheme 2023. Collection method: clinical testing. Allele origin: germline.

Labcorp Genetics (formerly Invitae), Labcorp
Classification: Uncertain significance. Last evaluated: 2022-04-17. Review status: criteria provided, single submitter. Criteria: Invitae Variant Classification Sherloc (09022015). Collection method: clinical testing. Allele origin: germline.
Comment: This sequence change replaces glycine, which is neutral and non-polar, with serine, which is neutral and polar, at codon 455 of the ADAMTS13 protein (p.Gly455Ser). The frequency data for this variant in the population databases is considered unreliable, as metrics indicate poor data quality at this position in the gnomAD database. This variant has not been reported in the literature in individuals affected with ADAMTS13-related conditions. Algorithms developed to predict the effect of missense changes on protein structure and function output the following: SIFT: "Tolerated"; PolyPhen-2: "Benign"; Align-GVGD: "Class C0". The serine amino acid residue is found in multiple mammalian species, which suggests that this missense change does not adversely affect protein function. In summary, the available evidence is currently insufficient to determine the role of this variant in disease. Therefore, it has been classified as a Variant of Uncertain Significance.

NM_139027.6(ADAMTS13):c.1363G>A (p.Gly455Ser)

Gene: ADAMTS13 (ADAM metallopeptidase with thrombospondin type 1 motif 13; plus strand). Cytogenetic location: 9q34.2.
Variant type: single nucleotide variant.
Coding change: c.1363G>A on transcript NM_139027.6 (MANE Select); coding-DNA position 1363, G replaced by A.
Protein change: p.Gly455Ser; replaces glycine 455 with serine.
Molecular consequence: missense variant.
Genome position (GRCh38, 1-based): chr9:133,436,883, G>A. VCF-style: chr9-133436883-G-A. GRCh37 (hg19) VCF-style: chr9-136302003-G-A.
Other names: c.1363G>A (NM_139025.3); c.1363G>A, p.Gly455Ser (NM_139025.5); c.1270G>A, p.Gly424Ser (NM_139026.6); short protein forms G424S, G455S.
Identifiers: ClinVar variation 1903768 (VCV001903768.3), dbSNP rs587613923, ClinGen allele CA200929645.